The following is an entry in ClinVar:

ClinVar aggregate classification (germline): Uncertain significance (1 of 4 stars; one submission).

Conditions:
CDH11-related disorder. Also called: CDH11-related condition.

Submission:

PreventionGenetics, part of Exact Sciences
Classification: Uncertain significance for CDH11-related condition. Last evaluated: 2023-03-21. Review status: criteria provided, single submitter. Criteria: ACMG Guidelines, 2015. Collection method: clinical testing. Allele origin: germline.
Comment: The CDH11 c.2014dupG variant is predicted to result in a frameshift and premature protein termination (p.Val672Glyfs*186). To our knowledge, this variant has not been reported in the literature or in a large population database, indicating this variant is rare. Truncating variants in CDH11 have been reported in association with autosomal recessive Elsahy-Waters syndrome (see, for example, Castori et al. 2018. PubMed ID: 30194892; Harms et al. 2018. PubMed ID: 29271567). Although we suspect that this variant may be pathogenic, at this time, the clinical significance of this variant is uncertain due to the absence of conclusive functional and genetic evidence.

NM_001797.4(CDH11):c.1895-569dup

Gene: CDH11 (cadherin 11; minus strand). Cytogenetic location: 16q21.
Variant type: Duplication.
Coding change: c.1895-569dup on transcript NM_001797.4 (MANE Select); 569 bases into the intron before coding-DNA position 1895, one base duplicated (G; older notation c.1895-569dupG).
Molecular consequence: intron variant. On other transcripts: frameshift variant (1).
Genome position (GRCh38, 1-based): chr16:64,948,668, C duplicated on the plus strand (G on the coding strand, the reverse complement: CDH11 is on the minus strand); the first of 5 consecutive C bases (chr16:64,948,668-64,948,672); duplicating any one gives the same sequence. VCF-style (leftmost placement, unchanged base first): chr16-64948667-A-AC. GRCh37 (hg19) VCF-style: chr16-64982570-A-AC.
Other names: c.2014dup, p.Val672fs (NM_001308392.2); c.1517-569dup (NM_001330576.2); short protein forms V672fs.
Identifiers: ClinVar variation 2633487 (VCV002633487.1), dbSNP rs1315953324, ClinGen allele CA2228166975.